The following is an entry in ClinVar:

ClinVar aggregate classification (germline): Pathogenic. Review status: criteria provided, multiple submitters, no conflicts (2 of 4 stars). 27 submissions from 25 submitters: Pathogenic (22). 5 of the submissions do not count toward it. Last evaluated 2026-10-01.

Conditions:
Oculocutaneous albinism type 1A (OCA1A). Also called: Albinism, oculocutaneous, type IA. Identifiers: Orphanet 352731, Orphanet 79431, MedGen C4551504, MONDO:0008745, OMIM 203100. Disease mechanism: loss of function.
Oculocutaneous albinism type 1B (OCA1B). Also called: ALBINISM, OCULOCUTANEOUS, TYPE IB; ALBINISM, YELLOW MUTANT TYPE; YELLOW ALBINISM. Identifiers: Orphanet 352731, Orphanet 352737, Orphanet 79434, MedGen C1847024, MONDO:0011749, OMIM 606952.
SKIN/HAIR/EYE PIGMENTATION 3, LIGHT/DARK SKIN (SHEP3). Also called: EYE COLOR 1; EYE COLOR, GREEN/BLUE; SKIN/HAIR/EYE PIGMENTATION, VARIATION IN, 3; SKIN/HAIR/EYE PIGMENTATION 3, BLUE/GREEN EYE COLOR; SKIN/HAIR/EYE PIGMENTATION 3, FRECKLING. Identifiers: MedGen C2677190, OMIM 601800.
TYR-related disorder. Also called: TYR-related condition.
Nonsyndromic Oculocutaneous Albinism.
Oculocutaneous albinism. Identifiers: Orphanet 55, MedGen C0078918, MONDO:0018910.
Ocular albinism with congenital sensorineural hearing loss. Identifiers: MedGen CN028925.
Oculocutaneous albinism type 1. Also called: Albinism 1; ALBINISM I. Identifiers: Orphanet 352731, MedGen C0268494, MONDO:0018135. Disease mechanism: loss of function.

Allele frequency attached by ClinVar (database versions not stated): 1000 Genomes Project 30x 0.00031; gnomAD 0.00009 and 0.00004; TOPMed 0.00007; gnomAD exomes 0.00019; ExAC 0.00019.
gnomAD v4.1: 181 of 1,613,318 alleles (0.011%); highest among the groups gnomAD compares: South Asian, 0.12%; 1 homozygote.

Submissions 1 to 11 of 27:

Kasturba Medical College, Manipal, Kasturba Medical College, Manipal, Manipal Academy of Higher Education, Manipal, India
Classification: Pathogenic for Oculocutaneous albinism type 1B. Last evaluated: 2026-10-01. Review status: criteria provided, single submitter. Criteria: ACMG Guidelines, 2015. Collection method: research. Allele origin: unknown. Inheritance: Autosomal recessive inheritance. Affected: yes. Observed: 1 variant allele, 1 heterozygote.
Comment: The variant c.832C>T was observed in 181 individuals (allele frequency: 0.0001122) in heterozygous state in gnomAD (V4.1.0) population database. The variant c.832C>T has been reported in homozygous state in a similarly affected individual and in heterozygous state in six individuals in our in-house data of 4456 exomes.

PreventionGenetics, part of Exact Sciences
Classification: Pathogenic for TYR-related condition. Last evaluated: 2026-08-17. Review status: criteria provided, single submitter. Criteria: ACMG Guidelines, 2015. Collection method: clinical testing. Allele origin: germline.
Comment: The TYR c.832C>T variant is predicted to result in premature protein termination (p.Arg278*). This variant has been reported many times as causative for autosomal recessive oculocutaneous albinism (see for examples: Tripathi et al. 1993. PubMed ID: 7902671; Wang et al. 2015. PubMed ID: 25919014). This variant is present in 0.13% of alleles in individuals of South Asian descent in gnomAD, indicating it is relatively common in this population for a pathogenic variant. This is supported by a report that found this c.832C>T variant accounts for ~12% of causative TYR variants in a Chinese cohort of oculocutaneous albinism (Wei et al. 2010. PubMed ID: 19865097). Nonsense variants in TYR are an established mechanism of disease. Given the evidence, we interpret this variant as pathogenic.

Labcorp Genetics (formerly Invitae), Labcorp
Classification: Pathogenic. Last evaluated: 2025-07-22. Review status: criteria provided, single submitter. Criteria: Invitae Variant Classification Sherloc (09022015). Collection method: clinical testing. Allele origin: germline.
Comment: This sequence change creates a premature translational stop signal (p.Arg278*) in the TYR gene. It is expected to result in an absent or disrupted protein product. Loss-of-function variants in TYR are known to be pathogenic (PMID: 23504663). This variant is present in population databases (rs62645904, gnomAD 0.1%). This premature translational stop signal has been observed in individuals with oculocutaneous albinism (PMID: 23324268, 26165494, 27829221, 28266639). ClinVar contains an entry for this variant (Variation ID: 99583). For these reasons, this variant has been classified as Pathogenic.

Department of Clinical Genetics, Copenhagen University Hospital, Rigshospitalet
Classification: Pathogenic for Oculocutaneous albinism type 1. Last evaluated: 2025-05-23. Review status: criteria provided, single submitter. Criteria: ACMG Guidelines, 2015. Collection method: clinical testing. Allele origin: germline. Observed: 2 variant alleles.
Comment: The following ACMG criteria has been used: PVS1, PS4_mod, PM2_sup, PM3

Blueprint Genetics
Classification: Pathogenic for TYR-related disorders. Last evaluated: 2024-10-02. Review status: criteria provided, single submitter. Criteria: ACMG Guidelines, 2015. Collection method: clinical testing. Allele origin: germline. Affected: yes. Observed: 5 variant alleles.

Women's Health and Genetics/Laboratory Corporation of America, LabCorp
Classification: Pathogenic for Oculocutaneous albinism. Last evaluated: 2024-09-19. Review status: criteria provided, single submitter. Criteria: LabCorp Variant Classification Summary - May 2015. Collection method: clinical testing. Allele origin: germline.
Comment: Variant summary: TYR c.832C>T (p.Arg278X) results in a premature termination codon, predicted to cause a truncation of the encoded protein or absence of the protein due to nonsense mediated decay, which are commonly known mechanisms for disease. The variant allele was found at a frequency of 0.00019 in 251074 control chromosomes, predominantly at a frequency of 0.0013 within the South Asian subpopulation in the gnomAD database. This frequency is not significantly higher than estimated for a pathogenic variant in TYR causing Oculocutaneous Albinism (0.00019 vs 0.0056), allowing no conclusion about variant significance. c.832C>T has been reported in the literature in multiple individuals affected with Oculocutaneous Albinism (example, Mondal_2012). These data indicate that the variant is very likely to be associated with disease. To our knowledge, no experimental evidence demonstrating an impact on protein function has been reported. The following publication has been ascertained in the context of this evaluation (PMID: 23010199). ClinVar contains an entry for this variant (Variation ID: 99583). Based on the evidence outlined above, the variant was classified as pathogenic.

Fulgent Genetics
Classification: Pathogenic for Oculocutaneous albinism type 1A; SKIN/HAIR/EYE PIGMENTATION 3, LIGHT/DARK SKIN; Oculocutaneous albinism type 1B. Last evaluated: 2024-06-09. Review status: criteria provided, single submitter. Criteria: ACMG Guidelines, 2015. Collection method: clinical testing. Allele origin: germline.

Laboratory for Molecular Medicine, Mass General Brigham Personalized Medicine
Classification: Pathogenic for Oculocutaneous albinism. Last evaluated: 2024-03-31. Review status: criteria provided, single submitter. Criteria: ACMG Guidelines, 2015. Collection method: clinical testing. Allele origin: germline. Inheritance: Autosomal recessive inheritance.
Comment: The p.Arg278X variant in TYR has been reported in the compound heterozygous or homozygous state in >10 individuals with oculocutaneous albinism (OCA). It was identified with other disease-causing variants in OCA, where the variants were confirmed in trans in at least 2 individuals (Wang 2016 PMID: 27829221, Shahzad 2017 PMID: 28266639, Arshad 2018, Lionel 2018 PMID: 28771251, Zhong 2019 PMID: 31077556, Shakil 2019 PMID: 30996339, Lin 2019 PMID: 31199599, Bibi 2020 PMID: 32849781). This variant segregated with OCA in > 4 affected relatives from 4 families (Wang 2016 PMID: 27829221, Arshad 2018, Shakil 2019 PMID: 30996339, Bibi 2020 PMID: 32849781). This variant has also been reported by other clinical laboratories in ClinVar (Variation ID 99583) and has been identified in 0.12% (106/91064) of South Asian chromosomes, including 1 homozygote, by gnomAD (v4.0.0), consistent with a recessive carrier frequency. This nonsense variant leads to a premature termination codon at position 278, which is predicted to lead to a truncated or absent protein. Biallelic loss of function of the TYR gene is an established disease mechanism in autosomal recessive oculocutaneous albinism. In summary, this variant meets criteria to be classified as pathogenic for autosomal recessive OCA. ACMG/AMP Criteria applied: PVS1, PM3_VeryStrong, PP1_Strong.

Baylor Genetics
Classification: Pathogenic for SKIN/HAIR/EYE PIGMENTATION 3, LIGHT/DARK SKIN. Last evaluated: 2024-03-27. Review status: criteria provided, single submitter. Criteria: ACMG Guidelines, 2015. Collection method: clinical testing. Allele origin: unknown.

HudsonAlpha Institute for Biotechnology
Classification: Pathogenic for Oculocutaneous albinism type 1A; Oculocutaneous albinism type 1B. Last evaluated: 2023-10-31. Review status: criteria provided, single submitter. Criteria: ACMG Guidelines, 2015. Collection method: research. Allele origin: unknown. Affected: yes. Observed: 1 variant allele. Study: UCC-HudsonAlpha.

Neuberg Centre For Genomic Medicine, NCGM
Classification: Pathogenic for Oculocutaneous albinism type 1B. Last evaluated: 2023-05-20. Review status: criteria provided, single submitter. Criteria: ACMG Guidelines, 2015. Collection method: clinical testing. Allele origin: germline. Inheritance: Autosomal recessive inheritance. Affected: yes.
Comment: The stop-gained variant c.832C>T (p.Arg278Ter) in the TYR gene has been reported in the compound heterozygous and homozygous state in individuals affected with Oculocutaneous Albinism (Wei, Ai-Hua et al.,2015). This variant is reported with the allele frequency (0.01%) in the gnomAD Exome. It has been submitted to ClinVar as Likely Pathogenic/ Pathogenic (multiple submissions). This variant is predicted to cause loss of normal protein function through protein truncation. Loss of function variants has been previously reported to be disease causing. Computational evidence (MutationTaster - Disease causing) predicts damaging effect on protein structure and function for this variant. For these reasons, this variant has been classified as Pathogenic. In the absence of another reportable variant the molecular diagnosis is not confirmed.

NM_000372.5(TYR):c.832C>T (p.Arg278Ter)

Gene: TYR (tyrosinase; plus strand). Cytogenetic location: 11q14.3.
Variant type: single nucleotide variant.
Coding change: c.832C>T on transcript NM_000372.5 (MANE Select); coding-DNA position 832, C replaced by T.
Protein change: p.Arg278Ter; replaces arginine 278 with a stop codon.
Molecular consequence: nonsense.
Genome position (GRCh38, 1-based): chr11:89,191,214, C>T. VCF-style: chr11-89191214-C-T. GRCh37 (hg19) VCF-style: chr11-88924382-C-T.
Other names: short protein forms R278*.
Identifiers: ClinVar variation 99583 (VCV000099583.47), dbSNP rs62645904, ClinGen allele CA227592.